The following is an entry in ClinVar:

NM_001267550.2(TTN):c.43480+2T>C

Gene: TTN (titin; minus strand). Cytogenetic location: 2q31.2.
Variant type: single nucleotide variant.
Coding change: c.43480+2T>C on transcript NM_001267550.2 (MANE Select); the canonical splice donor site of the intron after coding-DNA position 43480, T replaced by C.
Molecular consequence: splice donor variant.
Genome position (GRCh38, 1-based): chr2:178,632,524, A>G on the plus strand (T>C on the coding strand, the complement: TTN is on the minus strand). VCF-style: chr2-178632524-A-G. GRCh37 (hg19) VCF-style: chr2-179497251-A-G.
Other names: c.16285+2T>C (NM_003319.4); c.16861+2T>C (NM_133437.4); c.16660+2T>C (NM_133432.3); c.35776+2T>C (NM_133378.4); c.38557+2T>C (NM_001256850.1).
Identifiers: ClinVar variation 2447065 (VCV002447065.5), dbSNP rs1177799464, ClinGen allele CA349650457.

ClinVar aggregate classification (germline): Conflicting classifications of pathogenicity. Review status: criteria provided, conflicting classifications (1 of 4 stars). 2 submissions from 2 submitters: Likely pathogenic (1); Uncertain significance (1). Last evaluated 2026-06-10.

Conditions:
Cardiovascular phenotype. Identifiers: MedGen CN230736.
Autosomal recessive limb-girdle muscular dystrophy type 2J (LGMDR10). Also called: Limb-girdle muscular dystrophy, type 2J; MUSCULAR DYSTROPHY, LIMB-GIRDLE, AUTOSOMAL RECESSIVE 10. Identifiers: Orphanet 140922, MedGen C1837342, MONDO:0012127, OMIM 608807.
Dilated cardiomyopathy 1G (CMD1G). Identifiers: Orphanet 154, MedGen C1858763, MONDO:0011400, OMIM 604145.

Allele frequency attached by ClinVar (database versions not stated): gnomAD 0.00001.
gnomAD v4.1: 1 of 1,611,920 alleles (0.000062%); highest among the groups gnomAD compares: African/African-American, 0.0013%; no homozygotes.

Submissions (2):

Ambry Genetics
Classification: Uncertain significance for Cardiovascular phenotype. Last evaluated: 2026-06-10. Review status: criteria provided, single submitter. Criteria: Ambry Variant Classification Scheme 2023. Collection method: clinical testing. Allele origin: germline.
Comment: The c.16285+2T>C intronic variant results from a T to C substitution two nucleotides after coding exon 62 in the TTN gene. This exon is located in the I-band region of the N2-B isoform of the titin protein and is constitutively expressed in TTN transcripts (percent spliced in or PSI 100%). In silico splice site analysis predicts that this alteration may weaken the native splice donor site. Alterations that disrupt the canonical splice site are expected to cause aberrant splicing, resulting in an abnormal protein or a transcript that is subject to nonsense-mediated mRNA decay; however, +2T>C alterations are capable of generating wild-type transcripts in some genomic contexts and should be interpreted with caution (Lin JH et al. Hum Mutat. 2019 10;40:1856-1873). In addition, the resulting transcript is predicted to be in-frame and is not expected to trigger nonsense-mediated mRNA decay. The exact functional effect of the missing amino acids is unknown. Since supporting evidence is limited at this time, the clinical significance of this alteration remains unclear.

Labcorp Genetics (formerly Invitae), Labcorp
Classification: Likely pathogenic for Dilated cardiomyopathy 1G; Autosomal recessive limb-girdle muscular dystrophy type 2J. Last evaluated: 2024-05-04. Review status: criteria provided, single submitter. Criteria: Invitae Variant Classification Sherloc (09022015). Collection method: clinical testing. Allele origin: germline.
Comment: This sequence change affects a donor splice site in intron 235 of the TTN gene. It is expected to disrupt RNA splicing and likely results in a truncated or disrupted TTN protein. This variant is present in population databases (no rsID available, gnomAD 0.01%). This variant has not been observed in the literature in individuals with autosomal recessive TTN-related conditions. This variant has been reported in individual(s) with clinical features of autosomal dominant dilated cardiomyopathy (Invitae); however, the role of the variant in this condition is currently unclear. ClinVar contains an entry for this variant (Variation ID: 2447065). Algorithms developed to predict the effect of sequence changes on RNA splicing suggest that this variant may disrupt the consensus splice site. This variant is located in the I band of TTN (PMID: 25589632). Truncating variants in this region have been reported in individuals affected with autosomal recessive centronuclear myopathy (PMID: 23975875, Invitae internal data). Truncating variants in this region have also been identified in individuals affected with autosomal dominant dilated cardiomyopathy and/or cardio-related conditions (PMID: 27869827, 32964742, Invitae internal data). In summary, the currently available evidence indicates that the variant is pathogenic, but additional data are needed to prove that conclusively. Therefore, this variant has been classified as Likely Pathogenic.

Literature cited by the submitters: PubMed 25589632 (cited by Labcorp Genetics (formerly Invitae), Labcorp); PubMed 23975875 (cited by Labcorp Genetics (formerly Invitae), Labcorp); PubMed 27869827 (cited by Labcorp Genetics (formerly Invitae), Labcorp); PubMed 32964742 (cited by Labcorp Genetics (formerly Invitae), Labcorp).